The following is an entry in ClinVar:

NM_017909.4(RMND1):c.156G>A (p.Leu52=)

Gene: RMND1 (required for meiotic nuclear division 1 homolog; minus strand). Cytogenetic location: 6q25.1.
Variant type: single nucleotide variant.
Coding change: c.156G>A on transcript NM_017909.4 (MANE Select); coding-DNA position 156, G replaced by A.
Protein change: p.Leu52=; no amino-acid change (leucine 52 retained).
Molecular consequence: synonymous variant. On other transcripts: intron variant (1).
Genome position (GRCh38, 1-based): chr6:151,445,656, C>T on the plus strand (G>A on the coding strand, the complement: RMND1 is on the minus strand). VCF-style: chr6-151445656-C-T. GRCh37 (hg19) VCF-style: chr6-151766791-C-T.
Other names: c.-7+6360G>A (NM_001271937.2).
Identifiers: ClinVar variation 1176213 (VCV001176213.40), dbSNP rs200789687, ClinGen allele CA4051091.

ClinVar aggregate classification (germline): Likely benign. Review status: criteria provided, multiple submitters, no conflicts (2 of 4 stars). 2 submissions from 2 submitters: Likely benign (2). Last evaluated 2025-12-08.

Allele frequency attached by ClinVar (database versions not stated): gnomAD 0.00004 and 0.00005; TOPMed 0.00004; 1000 Genomes Project 30x 0.00016; 1000 Genomes Project 0.00020.
gnomAD v4.1: 71 of 1,614,166 alleles (0.0044%); highest among the groups gnomAD compares: Non-Finnish European, 0.0058%; no homozygotes.

Submissions (2):

Labcorp Genetics (formerly Invitae), Labcorp
Classification: Likely benign. Last evaluated: 2025-12-08. Review status: criteria provided, single submitter. Criteria: Invitae Variant Classification Sherloc (09022015). Collection method: clinical testing. Allele origin: germline.

CeGaT Center for Human Genetics Tuebingen
Classification: Likely benign. Last evaluated: 2025-12-01. Review status: criteria provided, single submitter. Criteria: CeGaT Center For Human Genetics Tuebingen Variant Classification Criteria Version 2. Collection method: clinical testing. Allele origin: germline. Affected: yes. Observed: 3 variant alleles.
Comment: RMND1: BP4, BP7